The following is an entry in ClinVar:

ClinVar aggregate classification (germline): Uncertain significance (1 of 4 stars; one submission).

Conditions:
Inborn genetic diseases. Identifiers: MedGen C0950123, MeSH D030342.

Submission:

Ambry Genetics
Classification: Uncertain significance for Inborn genetic diseases. Last evaluated: 2025-08-04. Review status: criteria provided, single submitter. Criteria: Ambry Variant Classification Scheme 2023. Collection method: clinical testing. Allele origin: germline.
Comment: The p.S705I variant (also known as c.2114G>T), located in coding exon 23 of the FANCA gene, results from a G to T substitution at nucleotide position 2114. The serine at codon 705 is replaced by isoleucine, an amino acid with dissimilar properties. This amino acid position is conserved. In addition, this alteration is predicted to be tolerated by in silico analysis. Based on the available evidence, the clinical significance of this variant remains unclear.

NM_000135.4(FANCA):c.2114G>T (p.Ser705Ile)

Gene: FANCA (FA complementation group A; minus strand). Cytogenetic location: 16q24.3.
Variant type: single nucleotide variant.
Coding change: c.2114G>T on transcript NM_000135.4 (MANE Select); coding-DNA position 2114, G replaced by T.
Protein change: p.Ser705Ile; replaces serine 705 with isoleucine.
Molecular consequence: missense variant.
Genome position (GRCh38, 1-based): chr16:89,771,715, C>A on the plus strand (G>T on the coding strand, the complement: FANCA is on the minus strand). VCF-style: chr16-89771715-C-A. GRCh37 (hg19) VCF-style: chr16-89838123-C-A.
Other names: c.2114G>T, p.Ser705Ile (NM_001286167.3); short protein forms S705I.
Identifiers: ClinVar variation 4254260 (VCV004254260.1).